The following is an entry in ClinVar:

NM_001374385.1(ATP8B1):c.1553C>G (p.Ser518Ter)

Gene: ATP8B1 (ATPase phospholipid transporting 8B1; minus strand). Cytogenetic location: 18q21.31.
Variant type: single nucleotide variant.
Coding change: c.1553C>G on transcript NM_001374385.1 (MANE Select); coding-DNA position 1553, C replaced by G.
Protein change: p.Ser518Ter; replaces serine 518 with a stop codon.
Molecular consequence: nonsense.
Genome position (GRCh38, 1-based): chr18:57,684,113, G>C on the plus strand (C>G on the coding strand, the complement: ATP8B1 is on the minus strand). VCF-style: chr18-57684113-G-C. GRCh37 (hg19) VCF-style: chr18-55351345-G-C.
Other names: c.1403C>G, p.Ser468Ter (NM_001374386.1); c.1553C>G, p.Ser518Ter (NM_005603.6); short protein forms S468*, S518*.
Identifiers: ClinVar variation 2664909 (VCV002664909.1), dbSNP rs773846546, ClinGen allele CA402565730.

ClinVar aggregate classification (germline): Likely pathogenic (1 of 4 stars; one submission).

Conditions:
Benign recurrent intrahepatic cholestasis type 1. Also called: SUMMERSKILL SYNDROME; Mild-to-Moderate ATP8B1 Deficiency (Benign Recurrent Intrahepatic Cholestasis 1 [BRIC1]). Identifiers: Orphanet 65682, Orphanet 99960, MedGen C4551899, MONDO:0009469, OMIM 243300.

Submission:

Neuberg Centre For Genomic Medicine, NCGM
Classification: Likely pathogenic for Benign recurrent intrahepatic cholestasis type 1. Last evaluated: 2023-02-14. Review status: criteria provided, single submitter. Criteria: ACMG Guidelines, 2015. Collection method: clinical testing. Allele origin: germline. Inheritance: Autosomal recessive inheritance. Affected: yes.
Comment: The stop gained variant c.1553C>G (p.Ser518Ter) in the ATP8B1 gene has not been reported previously as a pathogenic variant nor as a benign variant, to our knowledge. The variant is novel (not in any individuals) in gnomAD Exomes and 1000 Genomes. This variant is predicted to cause a loss of normal protein function through protein truncation. Loss of function variants has been previously reported to be disease causing (Alvarez et al., 2004). For these reasons, this variant has been classified as Likely Pathogenic.